The following is an entry in ClinVar:

ClinVar aggregate classification (germline): Uncertain significance (1 of 4 stars; one submission).

Conditions:
Gastrointestinal stromal tumor. Also called: Gastrointestinal stromal tumor, somatic; Gastrointestinal stroma tumor. Identifiers: Orphanet 44890, MedGen C0238198, MeSH D046152, MONDO:0011719, OMIM 606764, HP:0100723.

Submission:

Labcorp Genetics (formerly Invitae), Labcorp
Classification: Uncertain significance for Gastrointestinal stromal tumor. Last evaluated: 2023-02-25. Review status: criteria provided, single submitter. Criteria: Invitae Variant Classification Sherloc (09022015). Collection method: clinical testing. Allele origin: germline.
Comment: This variant has not been reported in the literature in individuals affected with PDGFRA-related conditions. This variant is not present in population databases (gnomAD no frequency). This sequence change replaces valine, which is neutral and non-polar, with leucine, which is neutral and non-polar, at codon 433 of the PDGFRA protein (p.Val433Leu). In summary, the available evidence is currently insufficient to determine the role of this variant in disease. Therefore, it has been classified as a Variant of Uncertain Significance. Advanced modeling of protein sequence and biophysical properties (such as structural, functional, and spatial information, amino acid conservation, physicochemical variation, residue mobility, and thermodynamic stability) performed at Invitae indicates that this missense variant is not expected to disrupt PDGFRA protein function.

NM_006206.6(PDGFRA):c.1297G>T (p.Val433Leu)

Gene: PDGFRA (platelet derived growth factor receptor alpha; plus strand). Cytogenetic location: 4q12.
Variant type: single nucleotide variant.
Coding change: c.1297G>T on transcript NM_006206.6 (MANE Select); coding-DNA position 1297, G replaced by T.
Protein change: p.Val433Leu; replaces valine 433 with leucine.
Molecular consequence: missense variant.
Genome position (GRCh38, 1-based): chr4:54,272,453, G>T. VCF-style: chr4-54272453-G-T. GRCh37 (hg19) VCF-style: chr4-55138620-G-T.
Other names: c.1297G>T, p.Val433Leu (NM_001347827.2, NM_001347829.2); c.1372G>T, p.Val458Leu (NM_001347828.2); c.1336G>T, p.Val446Leu (NM_001347830.2); short protein forms V446L, V458L, V433L.
Identifiers: ClinVar variation 2840876 (VCV002840876.3), dbSNP rs1377684828, ClinGen allele CA356892253.